The following is an entry in ClinVar:

ClinVar aggregate classification (germline): Uncertain significance. Review status: criteria provided, multiple submitters, no conflicts (2 of 4 stars). 3 submissions from 3 submitters: Uncertain significance (3). Last evaluated 2025-10-07.

Conditions:
Inborn genetic diseases. Identifiers: MedGen C0950123, MeSH D030342.
Acrocallosal syndrome (ACLS). Also called: Schinzel syndrome 1; Absence of corpus callosum with unusual facial appearance, mental deficiency, duplication of the halluces and polydactyly; HALLUX DUPLICATION, POSTAXIAL POLYDACTYLY, AND ABSENCE OF CORPUS CALLOSUM. Identifiers: Orphanet 36, MedGen C0796147, MONDO:0008708, OMIM 200990.

Allele frequency attached by ClinVar (database versions not stated): TOPMed 0.00002.
gnomAD v4.1: 3 of 1,613,998 alleles (0.00019%); highest among the groups gnomAD compares: Non-Finnish European, 0.00025%; no homozygotes.

Submissions (3):

Ambry Genetics
Classification: Uncertain significance for Inborn genetic diseases. Last evaluated: 2025-10-07. Review status: criteria provided, single submitter. Criteria: Ambry Variant Classification Scheme 2023. Collection method: clinical testing. Allele origin: germline.

Labcorp Genetics (formerly Invitae), Labcorp
Classification: Uncertain significance for Acrocallosal syndrome. Last evaluated: 2025-04-16. Review status: criteria provided, single submitter. Criteria: Invitae Variant Classification Sherloc (09022015). Collection method: clinical testing. Allele origin: germline.
Comment: This sequence change replaces glycine, which is neutral and non-polar, with aspartic acid, which is acidic and polar, at codon 570 of the KIF7 protein (p.Gly570Asp). This variant is present in population databases (no rsID available, gnomAD 0.0009%). This variant has not been reported in the literature in individuals affected with KIF7-related conditions. ClinVar contains an entry for this variant (Variation ID: 372396). Invitae Evidence Modeling of protein sequence and biophysical properties (such as structural, functional, and spatial information, amino acid conservation, physicochemical variation, residue mobility, and thermodynamic stability) indicates that this missense variant is not expected to disrupt KIF7 protein function with a negative predictive value of 80%. In summary, the available evidence is currently insufficient to determine the role of this variant in disease. Therefore, it has been classified as a Variant of Uncertain Significance.

GeneDx
Classification: Uncertain significance. Last evaluated: 2016-10-24. Review status: criteria provided, single submitter. Criteria: GeneDx Variant Classification (06012015). Collection method: clinical testing. Allele origin: germline. Affected: yes.
Comment: A variant of uncertain significance has been identified in the KIF7 gene. The G570D variant has not been published as a pathogenic variant, nor has it been reported as a benign variant to our knowledge. It was not observed in approximately 6,500 individuals of European and African American ancestry in the NHLBI Exome Sequencing Project, indicating it is not a common benign variant in these populations. The G570D variant is a non-conservative amino acid substitution, which is likely to impact secondary protein structure as these residues differ in polarity, charge, size and/or other properties. This substitution occurs at a position that is where amino acids with similar properties to Aspartic acid are tolerated across species. In silico analysis is inconsistent in its predictions as to whether or not the variant is damaging to the protein structure/function. Therefore, based on the currently available information, it is unclear whether this variant is a pathogenic variant or a rare benign variant.

NM_198525.3(KIF7):c.1709G>A (p.Gly570Asp)

Gene: KIF7 (kinesin family member 7; minus strand). Cytogenetic location: 15q26.1.
Variant type: single nucleotide variant.
Coding change: c.1709G>A on transcript NM_198525.3 (MANE Select); coding-DNA position 1709, G replaced by A.
Protein change: p.Gly570Asp; replaces glycine 570 with aspartic acid.
Molecular consequence: missense variant.
Genome position (GRCh38, 1-based): chr15:89,646,909, C>T on the plus strand (G>A on the coding strand, the complement: KIF7 is on the minus strand). VCF-style: chr15-89646909-C-T. GRCh37 (hg19) VCF-style: chr15-90190140-C-T.
Other names: short protein forms G570D.
Identifiers: ClinVar variation 372396 (VCV000372396.6), dbSNP rs1057517751, ClinGen allele CA16042910.